The following is an entry in ClinVar:

NM_005751.5(AKAP9):c.4850A>G (p.Glu1617Gly)

Gene: AKAP9 (A-kinase anchoring protein 9; plus strand). Cytogenetic location: 7q21.2.
Variant type: single nucleotide variant.
Coding change: c.4850A>G on transcript NM_005751.5 (MANE Select); coding-DNA position 4850, A replaced by G.
Protein change: p.Glu1617Gly; replaces glutamic acid 1617 with glycine.
Molecular consequence: missense variant.
Genome position (GRCh38, 1-based): chr7:92,040,831, A>G. VCF-style: chr7-92040831-A-G. GRCh37 (hg19) VCF-style: chr7-91670145-A-G.
Other names: c.4850A>G, p.Glu1617Gly (NM_147185.3); short protein forms E1617G.
Identifiers: ClinVar variation 1004679 (VCV001004679.8), dbSNP rs1805979251, ClinGen allele CA368129717.

ClinVar aggregate classification (germline): Uncertain significance (1 of 4 stars; one submission).

Conditions:
Long QT syndrome (LQTS). Identifiers: MedGen C0023976, MeSH D008133, MONDO:0002442. Disease mechanism: loss of function. Inheritance: Various modes of inheritance.

Submission:

Labcorp Genetics (formerly Invitae), Labcorp
Classification: Uncertain significance for Long QT syndrome. Last evaluated: 2022-08-23. Review status: criteria provided, single submitter. Criteria: Invitae Variant Classification Sherloc (09022015). Collection method: clinical testing. Allele origin: germline.
Comment: This sequence change replaces glutamic acid, which is acidic and polar, with glycine, which is neutral and non-polar, at codon 1617 of the AKAP9 protein (p.Glu1617Gly). This variant is not present in population databases (gnomAD no frequency). In summary, the available evidence is currently insufficient to determine the role of this variant in disease. Therefore, it has been classified as a Variant of Uncertain Significance. Algorithms developed to predict the effect of missense changes on protein structure and function are either unavailable or do not agree on the potential impact of this missense change (SIFT: "Tolerated"; PolyPhen-2: "Probably Damaging"; Align-GVGD: "Class C0"). ClinVar contains an entry for this variant (Variation ID: 1004679). This variant has not been reported in the literature in individuals affected with AKAP9-related conditions.